The following is an entry in ClinVar:

NM_000760.4(CSF3R):c.1144G>A (p.Gly382Arg)

Gene: CSF3R (colony stimulating factor 3 receptor; minus strand). Cytogenetic location: 1p34.3.
Variant type: single nucleotide variant.
Coding change: c.1144G>A on transcript NM_000760.4 (MANE Select); coding-DNA position 1144, G replaced by A.
Protein change: p.Gly382Arg; replaces glycine 382 with arginine.
Molecular consequence: missense variant.
Genome position (GRCh38, 1-based): chr1:36,471,574, C>T on the plus strand (G>A on the coding strand, the complement: CSF3R is on the minus strand). VCF-style: chr1-36471574-C-T. GRCh37 (hg19) VCF-style: chr1-36937175-C-T.
Other names: c.1144G>A, p.Gly382Arg (NM_156039.3, NM_172313.3); short protein forms G382R.
Identifiers: ClinVar variation 1933896 (VCV001933896.5), dbSNP rs2521777237, ClinGen allele CA339421891.

ClinVar aggregate classification (germline): Uncertain significance (1 of 4 stars; one submission).

Conditions:
Autosomal recessive severe congenital neutropenia due to CSF3R deficiency. Also called: Neutropenia, severe congenital, 7, autosomal recessive. Identifiers: Orphanet 420702, MedGen C4310764, MONDO:0014865, OMIM 617014.

Submission:

Labcorp Genetics (formerly Invitae), Labcorp
Classification: Uncertain significance for Autosomal recessive severe congenital neutropenia due to CSF3R deficiency. Last evaluated: 2022-04-29. Review status: criteria provided, single submitter. Criteria: Invitae Variant Classification Sherloc (09022015). Collection method: clinical testing. Allele origin: germline.
Comment: In summary, the available evidence is currently insufficient to determine the role of this variant in disease. Therefore, it has been classified as a Variant of Uncertain Significance. Algorithms developed to predict the effect of missense changes on protein structure and function (SIFT, PolyPhen-2, Align-GVGD) all suggest that this variant is likely to be tolerated. This variant has not been reported in the literature in individuals affected with CSF3R-related conditions. This variant is not present in population databases (gnomAD no frequency). This sequence change replaces glycine, which is neutral and non-polar, with arginine, which is basic and polar, at codon 382 of the CSF3R protein (p.Gly382Arg).